The following is an entry in ClinVar:

ClinVar aggregate classification (germline): Uncertain significance (1 of 4 stars; one submission).

Conditions:
BAP1-related tumor predisposition syndrome (TPDS1). Also called: BAP1 tumor predisposition syndrome; COMMON Syndrome; Tumor susceptibility linked to germline BAP1 mutations; TUMOR PREDISPOSITION SYNDROME 1. Identifiers: Orphanet 289539, MedGen C3280492, MONDO:0013692, OMIM 614327.

Submission:

Labcorp Genetics (formerly Invitae), Labcorp
Classification: Uncertain significance for BAP1-related tumor predisposition syndrome. Last evaluated: 2021-12-17. Review status: criteria provided, single submitter. Criteria: Invitae Variant Classification Sherloc (09022015). Collection method: clinical testing. Allele origin: germline.
Comment: This sequence change replaces glutamine, which is neutral and polar, with glutamic acid, which is acidic and polar, at codon 280 of the BAP1 protein (p.Gln280Glu). This variant is not present in population databases (gnomAD no frequency). This variant has not been reported in the literature in individuals affected with BAP1-related conditions. Algorithms developed to predict the effect of missense changes on protein structure and function (SIFT, PolyPhen-2, Align-GVGD) all suggest that this variant is likely to be tolerated. In summary, the available evidence is currently insufficient to determine the role of this variant in disease. Therefore, it has been classified as a Variant of Uncertain Significance.

NM_004656.4(BAP1):c.838C>G (p.Gln280Glu)

Gene: BAP1 (BRCA1 associated deubiquitinase 1; minus strand). Cytogenetic location: 3p21.1.
Variant type: single nucleotide variant.
Coding change: c.838C>G on transcript NM_004656.4 (MANE Select); coding-DNA position 838, C replaced by G.
Protein change: p.Gln280Glu; replaces glutamine 280 with glutamic acid.
Molecular consequence: missense variant.
Genome position (GRCh38, 1-based): chr3:52,405,858, G>C on the plus strand (C>G on the coding strand, the complement: BAP1 is on the minus strand). VCF-style: chr3-52405858-G-C. GRCh37 (hg19) VCF-style: chr3-52439874-G-C.
Other names: c.784C>G, p.Gln262Glu (NM_001410772.1); short protein forms Q262E, Q280E.
Identifiers: ClinVar variation 2045297 (VCV002045297.4), dbSNP rs746045584, ClinGen allele CA353106804.